The following is an entry in ClinVar:

NM_015570.4(AUTS2):c.1645G>C (p.Ala549Pro)

Gene: AUTS2 (activator of transcription and developmental regulator AUTS2; plus strand). Cytogenetic location: 7q11.22.
Variant type: single nucleotide variant.
Coding change: c.1645G>C on transcript NM_015570.4 (MANE Select); coding-DNA position 1645, G replaced by C.
Protein change: p.Ala549Pro; replaces alanine 549 with proline.
Molecular consequence: missense variant.
Genome position (GRCh38, 1-based): chr7:70,766,290, G>C. VCF-style: chr7-70766290-G-C. GRCh37 (hg19) VCF-style: chr7-70231276-G-C.
Other names: c.1645G>C, p.Ala549Pro (NM_001127231.3); short protein forms A549P.
Identifiers: ClinVar variation 2504920 (VCV002504920.4), dbSNP rs772360830, ClinGen allele CA367669034.

ClinVar aggregate classification (germline): Uncertain significance. Review status: criteria provided, multiple submitters, no conflicts (2 of 4 stars). 2 submissions from 2 submitters: Uncertain significance (2). Last evaluated 2025-10-31.

gnomAD v4.1: 1 of 1,613,982 alleles (0.000062%); highest among the groups gnomAD compares: Admixed American, 0.0017%; no homozygotes.

Submissions (2):

GeneDx
Classification: Uncertain significance. Last evaluated: 2025-10-31. Review status: criteria provided, single submitter. Criteria: GeneDx Variant Classification Process June 2021. Collection method: clinical testing. Allele origin: germline.
Comment: Not observed at significant frequency in large population cohorts (gnomAD); In silico analysis supports that this missense variant does not alter protein structure/function; Has not been previously published as pathogenic or benign to our knowledge

Labcorp Genetics (formerly Invitae), Labcorp
Classification: Uncertain significance. Last evaluated: 2024-05-01. Review status: criteria provided, single submitter. Criteria: Invitae Variant Classification Sherloc (09022015). Collection method: clinical testing. Allele origin: germline.
Comment: This sequence change replaces alanine, which is neutral and non-polar, with proline, which is neutral and non-polar, at codon 549 of the AUTS2 protein (p.Ala549Pro). This variant is not present in population databases (gnomAD no frequency). This variant has not been reported in the literature in individuals affected with AUTS2-related conditions. ClinVar contains an entry for this variant (Variation ID: 2504920). An algorithm developed to predict the effect of missense changes on protein structure and function (PolyPhen-2) suggests that this variant is likely to be disruptive. In summary, the available evidence is currently insufficient to determine the role of this variant in disease. Therefore, it has been classified as a Variant of Uncertain Significance.